The following is an entry in ClinVar:

ClinVar aggregate classification (germline): Uncertain significance (1 of 4 stars; one submission).

Submission:

GeneDx
Classification: Uncertain significance. Last evaluated: 2024-01-06. Review status: criteria provided, single submitter. Criteria: GeneDx Variant Classification Process June 2021. Collection method: clinical testing. Allele origin: germline. Affected: yes.
Comment: Not observed at significant frequency in large population cohorts (gnomAD); In silico analysis supports that this missense variant has a deleterious effect on protein structure/function; Has not been previously published as pathogenic or benign to our knowledge

NM_002156.5(HSPD1):c.1658A>G (p.Glu553Gly)

Gene: HSPD1 (heat shock protein family D (Hsp60) member 1; minus strand). Cytogenetic location: 2q33.1.
Variant type: single nucleotide variant.
Coding change: c.1658A>G on transcript NM_002156.5 (MANE Select); coding-DNA position 1658, A replaced by G.
Protein change: p.Glu553Gly; replaces glutamic acid 553 with glycine.
Molecular consequence: missense variant.
Genome position (GRCh38, 1-based): chr2:197,487,110, T>C on the plus strand (A>G on the coding strand, the complement: HSPD1 is on the minus strand). VCF-style: chr2-197487110-T-C. GRCh37 (hg19) VCF-style: chr2-198351834-T-C.
Other names: c.1658A>G, p.Glu553Gly (NM_199440.2); short protein forms E553G.
Identifiers: ClinVar variation 3338749 (VCV003338749.1).
Genomic context (GRCh38, chr2:197,487,110, plus strand): 5'-AACATGCCACCTCCCATACCACCTCCCATTCCACCCATTGCACCCATTCCAGGGTCCTTC[T>C]CTTCTTTAGGAATTTCTGTGACTACAACTTCTGCTGTAGTTAACAGAGAGGCCACACCAG-3'
Protein context (NP_002147.2, residues 543-563): EVVVTEIPKE[Glu553Gly]KDPGMGAMGG